The following is an entry in ClinVar:

ClinVar aggregate classification (germline): Uncertain significance (1 of 4 stars; one submission).

Allele frequency attached by ClinVar (database versions not stated): TOPMed below 0.00001.

Submission:

Labcorp Genetics (formerly Invitae), Labcorp
Classification: Uncertain significance. Last evaluated: 2024-01-24. Review status: criteria provided, single submitter. Criteria: Invitae Variant Classification Sherloc (09022015). Collection method: clinical testing. Allele origin: germline.
Comment: This sequence change replaces proline, which is neutral and non-polar, with serine, which is neutral and polar, at codon 295 of the EPRS protein (p.Pro295Ser). This variant is not present in population databases (gnomAD no frequency). This variant has not been reported in the literature in individuals affected with EPRS-related conditions. ClinVar contains an entry for this variant (Variation ID: 1680997). An algorithm developed to predict the effect of missense changes on protein structure and function (PolyPhen-2) suggests that this variant is likely to be tolerated. In summary, the available evidence is currently insufficient to determine the role of this variant in disease. Therefore, it has been classified as a Variant of Uncertain Significance.

NM_004446.3(EPRS1):c.883C>T (p.Pro295Ser)

Gene: EPRS1 (glutamyl-prolyl-tRNA synthetase 1; minus strand). Cytogenetic location: 1q41.
Variant type: single nucleotide variant.
Coding change: c.883C>T on transcript NM_004446.3 (MANE Select); coding-DNA position 883, C replaced by T.
Protein change: p.Pro295Ser; replaces proline 295 with serine.
Molecular consequence: missense variant.
Genome position (GRCh38, 1-based): chr1:220,024,324, G>A on the plus strand (C>T on the coding strand, the complement: EPRS1 is on the minus strand). VCF-style: chr1-220024324-G-A. GRCh37 (hg19) VCF-style: chr1-220197666-G-A.
Other names: short protein forms P295S.
Identifiers: ClinVar variation 1680997 (VCV001680997.8), dbSNP rs1661932128, ClinGen allele CA344631121.
Genomic context (GRCh38, chr1:220,024,324, plus strand): 5'-GGTTTTTTCTATGTTTAGAGTCTATCCTCTGCTCACGTTCTGCTTTCATCTGTTCAGCAG[G>A]AGTATCATCCACATAAGCCTTCCCTTCTTGAATTAGCTTCTCTGCATACTTCATTATAGT-3'
Protein context (NP_004437.2, residues 285-305): QEGKAYVDDT[Pro295Ser]AEQMKAEREQ